The following is an entry in ClinVar:

ClinVar aggregate classification (germline): Uncertain significance (1 of 4 stars; one submission).

Conditions:
Familial hemiplegic migraine. Identifiers: MedGen C0338484, MONDO:0000700.

Allele frequency attached by ClinVar (database versions not stated): gnomAD exomes below 0.00001.
gnomAD v4.1: 1 of 1,614,042 alleles (0.000062%); highest among the groups gnomAD compares: African/African-American, 0.0013%; no homozygotes.

Submission:

Labcorp Genetics (formerly Invitae), Labcorp
Classification: Uncertain significance for Familial hemiplegic migraine. Last evaluated: 2019-06-14. Review status: criteria provided, single submitter. Criteria: Invitae Variant Classification Sherloc (09022015). Collection method: clinical testing. Allele origin: germline.
Comment: In summary, the available evidence is currently insufficient to determine the role of this variant in disease. Therefore, it has been classified as a Variant of Uncertain Significance. Algorithms developed to predict the effect of missense changes on protein structure and function are either unavailable or do not agree on the potential impact of this missense change (SIFT: "Deleterious"; PolyPhen-2: "Benign"; Align-GVGD: "Class C15"). This variant has not been reported in the literature in individuals with ATP1A2-related conditions. This variant is not present in population databases (ExAC no frequency). This sequence change replaces phenylalanine with leucine at codon 391 of the ATP1A2 protein (p.Phe391Leu). The phenylalanine residue is highly conserved and there is a small physicochemical difference between phenylalanine and leucine.

NM_000702.4(ATP1A2):c.1171T>C (p.Phe391Leu)

Gene: ATP1A2 (ATPase Na+/K+ transporting subunit alpha 2; plus strand). Cytogenetic location: 1q23.2.
Variant type: single nucleotide variant.
Coding change: c.1171T>C on transcript NM_000702.4 (MANE Select); coding-DNA position 1171, T replaced by C.
Protein change: p.Phe391Leu; replaces phenylalanine 391 with leucine.
Molecular consequence: missense variant.
Genome position (GRCh38, 1-based): chr1:160,128,805, T>C. VCF-style: chr1-160128805-T-C. GRCh37 (hg19) VCF-style: chr1-160098595-T-C.
Other names: short protein forms F391L.
Identifiers: ClinVar variation 948610 (VCV000948610.9), dbSNP rs1651667900, ClinGen allele CA343239655.